The following is an entry in ClinVar:

NM_000138.5(FBN1):c.2980G>A (p.Glu994Lys)

Gene: FBN1 (fibrillin 1; minus strand). Cytogenetic location: 15q21.1.
Variant type: single nucleotide variant.
Coding change: c.2980G>A on transcript NM_000138.5 (MANE Select); coding-DNA position 2980, G replaced by A.
Protein change: p.Glu994Lys; replaces glutamic acid 994 with lysine.
Molecular consequence: missense variant.
Genome position (GRCh38, 1-based): chr15:48,489,953, C>T on the plus strand (G>A on the coding strand, the complement: FBN1 is on the minus strand). VCF-style: chr15-48489953-C-T. GRCh37 (hg19) VCF-style: chr15-48782150-C-T.
Other names: short protein forms E994K.
Identifiers: ClinVar variation 1332421 (VCV001332421.10), dbSNP rs780301913, ClinGen allele CA049509.

ClinVar aggregate classification (germline): Uncertain significance. Review status: criteria provided, multiple submitters, no conflicts (2 of 4 stars). 5 submissions from 5 submitters: Uncertain significance (5). Last evaluated 2025-05-28.

Conditions:
Marfan syndrome (MFS). Also called: Marfan syndrome type 1; Marfan's syndrome; FBN1-Related Marfan Syndrome; MARFAN SYNDROME, TYPE I; Marfan syndrome, classic. Identifiers: Orphanet 284963, Orphanet 558, MedGen C0024796, MONDO:0007947, OMIM 154700.
Familial thoracic aortic aneurysm and aortic dissection (TAAD). Also called: Thoracic aortic aneurysms and dissections. Identifiers: Orphanet 91387, MedGen C4707243, MONDO:0019625.

Allele frequency attached by ClinVar (database versions not stated): gnomAD exomes 0.00001 and 0.00002; gnomAD 0.00002; ExAC 0.00001; TOPMed 0.00002.
gnomAD v4.1: 14 of 1,614,066 alleles (0.00087%); highest among the groups gnomAD compares: Middle Eastern, 0.033%; no homozygotes.

Submissions (5):

Ambry Genetics
Classification: Uncertain significance for Familial thoracic aortic aneurysm and aortic dissection. Last evaluated: 2025-05-28. Review status: criteria provided, single submitter. Criteria: Ambry Variant Classification Scheme 2023. Collection method: clinical testing. Allele origin: germline.
Comment: The p.E994K variant (also known as c.2980G>A), located in coding exon 24 of the FBN1 gene, results from a G to A substitution at nucleotide position 2980. The glutamic acid at codon 994 is replaced by lysine, an amino acid with similar properties. This variant has been reported in a genome sequencing cohort (Elfatih A et al. Eur J Hum Genet, 2024 Nov;32:1465-1473). This amino acid position is not well conserved in available vertebrate species. In addition, the in silico prediction for this alteration is inconclusive. Based on the available evidence, the clinical significance of this variant remains unclear.

Women's Health and Genetics/Laboratory Corporation of America, LabCorp
Classification: Uncertain significance. Last evaluated: 2024-11-04. Review status: criteria provided, single submitter. Criteria: LabCorp Variant Classification Summary - May 2015. Collection method: clinical testing. Allele origin: germline.
Comment: Variant summary: FBN1 c.2980G>A (p.Glu994Lys) results in a conservative amino acid change located in the TGF-beta binding (TB) domain (IPR017878) of the encoded protein sequence. Four of five in-silico tools predict a damaging effect of the variant on protein function. The variant allele was found at a frequency of 1.6e-05 in 251476 control chromosomes. The available data on variant occurrences in the general population are insufficient to allow any conclusion about variant significance. To our knowledge, no occurrence of c.2980G>A in individuals affected with Marfan Syndrome and no experimental evidence demonstrating its impact on protein function have been reported. ClinVar contains an entry for this variant (Variation ID: 1332421). Based on the evidence outlined above, the variant was classified as uncertain significance.

All of Us Research Program, National Institutes of Health
Classification: Uncertain significance for Marfan syndrome. Last evaluated: 2024-05-14. Review status: criteria provided, single submitter. Criteria: ACMG Guidelines, 2015. Collection method: clinical testing. Allele origin: germline. Inheritance: Autosomal dominant inheritance. Observed: 2 variant alleles, 2 heterozygotes.
Comment: This missense variant replaces glutamic acid with lysine at codon 994 of the FBN1 protein. Computational prediction suggests that this variant may have deleterious impact on protein structure and function (internally defined REVEL score threshold >= 0.7, PMID: 27666373). To our knowledge, functional studies have not been reported for this variant. This variant has not been reported in individuals affected with cardiovascular disorders in the literature. This variant has been identified in 5/282870 chromosomes in the general population by the Genome Aggregation Database (gnomAD). The available evidence is insufficient to determine the role of this variant in disease conclusively. Therefore, this variant is classified as a Variant of Uncertain Significance.

This study involves interpretation of variants in research participants for the purpose of population health screening. Participant phenotype was not available at the time of variant classification. Additional details can be found in publication PMID: 35346344, PMCID: PMC8962531

Labcorp Genetics (formerly Invitae), Labcorp
Classification: Uncertain significance for Marfan syndrome; Familial thoracic aortic aneurysm and aortic dissection. Last evaluated: 2023-09-08. Review status: criteria provided, single submitter. Criteria: Invitae Variant Classification Sherloc (09022015). Collection method: clinical testing. Allele origin: germline.
Comment: In summary, the available evidence is currently insufficient to determine the role of this variant in disease. Therefore, it has been classified as a Variant of Uncertain Significance. This sequence change replaces glutamic acid, which is acidic and polar, with lysine, which is basic and polar, at codon 994 of the FBN1 protein (p.Glu994Lys). This variant is present in population databases (rs780301913, gnomAD 0.008%). This variant has not been reported in the literature in individuals affected with FBN1-related conditions. ClinVar contains an entry for this variant (Variation ID: 1332421). Advanced modeling of protein sequence and biophysical properties (such as structural, functional, and spatial information, amino acid conservation, physicochemical variation, residue mobility, and thermodynamic stability) performed at Invitae indicates that this missense variant is expected to disrupt FBN1 protein function.

Color Diagnostics, LLC DBA Color Health
Classification: Uncertain significance for Familial thoracic aortic aneurysm and aortic dissection. Last evaluated: 2023-05-12. Review status: criteria provided, single submitter. Criteria: ACMG Guidelines, 2015. Collection method: clinical testing. Allele origin: germline.
Comment: This missense variant replaces glutamic acid with lysine at codon 994 of the FBN1 protein. Computational prediction suggests that this variant may have deleterious impact on protein structure and function (internally defined REVEL score threshold >= 0.7, PMID: 27666373). To our knowledge, functional studies have not been reported for this variant. This variant has not been reported in individuals affected with FBN1-related disorders in the literature. This variant has been identified in 5/282870 chromosomes in the general population by the Genome Aggregation Database (gnomAD). The available evidence is insufficient to determine the role of this variant in disease conclusively. Therefore, this variant is classified as a Variant of Uncertain Significance.

Literature cited by the submitters: PubMed 39020067 (cited by Ambry Genetics).